The following is an entry in ClinVar:

NM_002626.6(PFKL):c.1251C>T (p.Ala417=)

Gene: PFKL (phosphofructokinase, liver type; plus strand). Cytogenetic location: 21q22.3.
Variant type: single nucleotide variant.
Coding change: c.1251C>T on transcript NM_002626.6 (MANE Select); coding-DNA position 1251, C replaced by T.
Protein change: p.Ala417=; no amino-acid change (alanine 417 retained).
Molecular consequence: synonymous variant.
Genome position (GRCh38, 1-based): chr21:44,321,788, C>T. VCF-style: chr21-44321788-C-T. GRCh37 (hg19) VCF-style: chr21-45741671-C-T.
Other names: c.1401C>T, p.Ala467= (NM_001002021.3).
Identifiers: ClinVar variation 3042440 (VCV003042440.2), dbSNP rs150413035, ClinGen allele CA10052931.

ClinVar aggregate classification (germline): Likely benign (0 of 4 stars; one submission).

Conditions:
PFKL-related disorder. Also called: PFKL-related condition.

Allele frequency attached by ClinVar (database versions not stated): gnomAD exomes 0.00009; gnomAD 0.00017; TOPMed 0.00017; ExAC 0.00019; 1000 Genomes Project 30x 0.00031; ESP Exome Variant Server 0.00031; 1000 Genomes Project 0.00040.
gnomAD v4.1: 163 of 1,601,572 alleles (0.01%); highest among the groups gnomAD compares: South Asian, 0.085%; 1 homozygote.

Submission:

PreventionGenetics, part of Exact Sciences
Classification: Likely benign for PFKL-related condition. Last evaluated: 2021-09-28. Review status: no assertion criteria provided. Collection method: clinical testing. Allele origin: germline.
Comment: This variant is classified as likely benign based on ACMG/AMP sequence variant interpretation guidelines (Richards et al. 2015 PMID: 25741868, with internal and published modifications).